The following is an entry in ClinVar:

NM_000088.4(COL1A1):c.1614+1G>T

Gene: COL1A1 (collagen type I alpha 1 chain; minus strand). Cytogenetic location: 17q21.33.
Variant type: single nucleotide variant.
Coding change: c.1614+1G>T on transcript NM_000088.4 (MANE Select); the canonical splice donor site of the intron after coding-DNA position 1614, G replaced by T.
Molecular consequence: splice donor variant.
Genome position (GRCh38, 1-based): chr17:50,194,348, C>A on the plus strand (G>T on the coding strand, the complement: COL1A1 is on the minus strand). VCF-style: chr17-50194348-C-A. GRCh37 (hg19) VCF-style: chr17-48271709-C-A.
Identifiers: ClinVar variation 1702095 (VCV001702095.4), dbSNP rs72648357, ClinGen allele CA400216265.

ClinVar aggregate classification (germline): Pathogenic/Likely pathogenic. Review status: criteria provided, multiple submitters, no conflicts (2 of 4 stars). 2 submissions from 2 submitters: Pathogenic (1); Likely pathogenic (1). Last evaluated 2025-01-07.

Conditions:
Osteogenesis imperfecta (OI). Identifiers: Orphanet 666, MedGen C0029434, MeSH D010013, MONDO:0019019.

Submissions (2):

GeneDx
Classification: Pathogenic. Last evaluated: 2025-01-07. Review status: criteria provided, single submitter. Criteria: GeneDx Variant Classification Process June 2021. Collection method: clinical testing. Allele origin: germline. Affected: yes.
Comment: Damages or destroys the splice donor site in intron 23, and is expected to cause abnormal gene splicing; if the splice outcome is exon skip, the loss of the encoded residues in the triple helical region is expected to disrupt normal protein folding and function, and this is an established mechanism of disease (HGMD); Has not been previously published as pathogenic or benign to our knowledge; Not observed at significant frequency in large population cohorts (gnomAD)

Genome Diagnostics Laboratory, The Hospital for Sick Children
Classification: Likely pathogenic for Osteogenesis imperfecta. Last evaluated: 2019-03-01. Review status: criteria provided, single submitter. Criteria: ACMG Guidelines, 2015. Collection method: clinical testing. Allele origin: germline.